The following is an entry in ClinVar:

ClinVar aggregate classification (germline): Pathogenic (1 of 4 stars; one submission).

Submission:

CeGaT Center for Human Genetics Tuebingen
Classification: Pathogenic. Last evaluated: 2025-04-01. Review status: criteria provided, single submitter. Criteria: CeGaT Center For Human Genetics Tuebingen Variant Classification Criteria Version 2. Collection method: clinical testing. Allele origin: germline. Affected: yes. Observed: 1 variant allele.
Comment: NPHP1: PVS1, PM2, PM3

NM_001128178.3(NPHP1):c.640G>T (p.Glu214Ter)

Gene: NPHP1 (nephrocystin 1; minus strand). Cytogenetic location: 2q13.
Variant type: single nucleotide variant.
Coding change: c.640G>T on transcript NM_001128178.3 (MANE Select); coding-DNA position 640, G replaced by T.
Protein change: p.Glu214Ter; replaces glutamic acid 214 with a stop codon.
Molecular consequence: nonsense.
Genome position (GRCh38, 1-based): chr2:110,165,140, C>A on the plus strand (G>T on the coding strand, the complement: NPHP1 is on the minus strand). VCF-style: chr2-110165140-C-A. GRCh37 (hg19) VCF-style: chr2-110922717-C-A.
Other names: c.640G>T, p.Glu214Ter (NM_000272.5, NM_001374256.1, NM_001374257.1 and 1 more transcripts); c.454G>T, p.Glu152Ter (NM_001128179.3); short protein forms E152*, E214*.
Identifiers: ClinVar variation 3905630 (VCV003905630.10).